The following is an entry in ClinVar:

ClinVar aggregate classification (germline): Uncertain significance. Review status: criteria provided, multiple submitters, no conflicts (2 of 4 stars). 2 submissions from 2 submitters: Uncertain significance (2). Last evaluated 2025-08-21.

Conditions:
Inborn genetic diseases. Identifiers: MedGen C0950123, MeSH D030342.

Allele frequency attached by ClinVar (database versions not stated): ExAC 0.00001; gnomAD 0.00001; TOPMed 0.00001.
gnomAD v4.1: 5 of 1,613,910 alleles (0.00031%); highest among the groups gnomAD compares: South Asian, 0.0022%; no homozygotes.

Submissions (2):

Ambry Genetics
Classification: Uncertain significance for Inborn genetic diseases. Last evaluated: 2025-08-21. Review status: criteria provided, single submitter. Criteria: Ambry Variant Classification Scheme 2023. Collection method: clinical testing. Allele origin: germline.

Labcorp Genetics (formerly Invitae), Labcorp
Classification: Uncertain significance. Last evaluated: 2022-05-21. Review status: criteria provided, single submitter. Criteria: Invitae Variant Classification Sherloc (09022015). Collection method: clinical testing. Allele origin: germline.
Comment: This sequence change replaces proline, which is neutral and non-polar, with leucine, which is neutral and non-polar, at codon 1079 of the RP1 protein (p.Pro1079Leu). This variant is present in population databases (rs745484028, gnomAD 0.003%). This variant has not been reported in the literature in individuals affected with RP1-related conditions. Algorithms developed to predict the effect of missense changes on protein structure and function output the following: SIFT: "Tolerated"; PolyPhen-2: "Benign"; Align-GVGD: "Class C0". The leucine amino acid residue is found in multiple mammalian species, which suggests that this missense change does not adversely affect protein function. In summary, the available evidence is currently insufficient to determine the role of this variant in disease. Therefore, it has been classified as a Variant of Uncertain Significance.

NM_006269.2(RP1):c.3236C>T (p.Pro1079Leu)

Gene: RP1 (RP1 axonemal microtubule associated; plus strand). Cytogenetic location: 8q12.1.
Variant type: single nucleotide variant.
Coding change: c.3236C>T on transcript NM_006269.2 (MANE Select); coding-DNA position 3236, C replaced by T.
Protein change: p.Pro1079Leu; replaces proline 1079 with leucine.
Molecular consequence: missense variant. On other transcripts: intron variant (1).
Genome position (GRCh38, 1-based): chr8:54,627,118, C>T. VCF-style: chr8-54627118-C-T. GRCh37 (hg19) VCF-style: chr8-55539678-C-T.
Other names: c.787+4830C>T (NM_001375654.1); c.3236C>T (NM_006269.1); short protein forms P1079L.
Identifiers: ClinVar variation 1997711 (VCV001997711.5), dbSNP rs745484028, ClinGen allele CA4751661.